The following is an entry in ClinVar:

NM_001378454.1(ALMS1):c.6409G>C (p.Ala2137Pro)

Gene: ALMS1 (ALMS1 centrosome and basal body associated protein; plus strand). Cytogenetic location: 2p13.1.
Variant type: single nucleotide variant.
Coding change: c.6409G>C on transcript NM_001378454.1 (MANE Select); coding-DNA position 6409, G replaced by C.
Protein change: p.Ala2137Pro; replaces alanine 2137 with proline.
Molecular consequence: missense variant.
Genome position (GRCh38, 1-based): chr2:73,452,936, G>C. VCF-style: chr2-73452936-G-C. GRCh37 (hg19) VCF-style: chr2-73680063-G-C.
Other names: c.6412G>C, p.Ala2138Pro (NM_015120.4); short protein forms A2137P, A2138P.
Identifiers: ClinVar variation 1482543 (VCV001482543.6), dbSNP rs2103789992, ClinGen allele CA347287496.

ClinVar aggregate classification (germline): Uncertain significance (1 of 4 stars; one submission).

Conditions:
Alstrom syndrome (ALMS). Identifiers: Orphanet 64, MedGen C0268425, MONDO:0008763, OMIM 203800.

Submission:

Labcorp Genetics (formerly Invitae), Labcorp
Classification: Uncertain significance for Alstrom syndrome. Last evaluated: 2022-06-13. Review status: criteria provided, single submitter. Criteria: Invitae Variant Classification Sherloc (09022015). Collection method: clinical testing. Allele origin: germline.
Comment: This sequence change replaces alanine, which is neutral and non-polar, with proline, which is neutral and non-polar, at codon 2138 of the ALMS1 protein (p.Ala2138Pro). This variant is not present in population databases (gnomAD no frequency). This variant has not been reported in the literature in individuals affected with ALMS1-related conditions. Experimental studies and prediction algorithms are not available or were not evaluated, and the functional significance of this variant is currently unknown. In summary, the available evidence is currently insufficient to determine the role of this variant in disease. Therefore, it has been classified as a Variant of Uncertain Significance.